The following is an entry in ClinVar:

ClinVar aggregate classification (germline): Uncertain significance (1 of 4 stars; one submission).

Allele frequency attached by ClinVar (database versions not stated): gnomAD 0.00001; TOPMed 0.00002.

Submission:

Labcorp Genetics (formerly Invitae), Labcorp
Classification: Uncertain significance. Last evaluated: 2025-03-03. Review status: criteria provided, single submitter. Criteria: Invitae Variant Classification Sherloc (09022015). Collection method: clinical testing. Allele origin: germline.
Comment: This sequence change replaces isoleucine, which is neutral and non-polar, with threonine, which is neutral and polar, at codon 357 of the P3H2 protein (p.Ile357Thr). This variant is present in population databases (rs752367719, gnomAD 0.003%). This variant has not been reported in the literature in individuals affected with P3H2-related conditions. ClinVar contains an entry for this variant (Variation ID: 1916642). An algorithm developed to predict the effect of missense changes on protein structure and function outputs the following: PolyPhen-2: "Benign". The threonine amino acid residue is found in multiple mammalian species, which suggests that this missense change does not adversely affect protein function. In summary, the available evidence is currently insufficient to determine the role of this variant in disease. Therefore, it has been classified as a Variant of Uncertain Significance.

NM_018192.4(P3H2):c.1070T>C (p.Ile357Thr)

Gene: P3H2 (prolyl 3-hydroxylase 2; minus strand). Cytogenetic location: 3q28.
Variant type: single nucleotide variant.
Coding change: c.1070T>C on transcript NM_018192.4 (MANE Select); coding-DNA position 1070, T replaced by C.
Protein change: p.Ile357Thr; replaces isoleucine 357 with threonine.
Molecular consequence: missense variant.
Genome position (GRCh38, 1-based): chr3:189,987,555, A>G on the plus strand (T>C on the coding strand, the complement: P3H2 is on the minus strand). VCF-style: chr3-189987555-A-G. GRCh37 (hg19) VCF-style: chr3-189705344-A-G.
Other names: c.527T>C, p.Ile176Thr (NM_001134418.2); short protein forms I176T, I357T.
Identifiers: ClinVar variation 1916642 (VCV001916642.3), dbSNP rs752367719, ClinGen allele CA89730759.